The following is an entry in ClinVar:

ClinVar aggregate classification (germline): Uncertain significance (1 of 4 stars; one submission).

Conditions:
Fanconi anemia (FA). Also called: Fanconi's anemia. Identifiers: Orphanet 84, MedGen C0015625, MeSH D005199, MONDO:0019391.

Submission:

Labcorp Genetics (formerly Invitae), Labcorp
Classification: Uncertain significance for Fanconi anemia. Last evaluated: 2020-10-14. Review status: criteria provided, single submitter. Criteria: Invitae Variant Classification Sherloc (09022015). Collection method: clinical testing. Allele origin: germline.
Comment: In summary, the available evidence is currently insufficient to determine the role of this variant in disease. Therefore, it has been classified as a Variant of Uncertain Significance. This variant has not been reported in the literature in individuals with FANCA-related conditions. This variant is not present in population databases (ExAC no frequency). This sequence change falls in intron 14 of the FANCA gene. It does not directly change the encoded amino acid sequence of the FANCA protein.

NM_000135.4(FANCA):c.1360-64_1360del

Gene: FANCA (FA complementation group A; minus strand). Cytogenetic location: 16q24.3.
Variant type: Deletion.
Coding change: c.1360-64_1360del on transcript NM_000135.4 (MANE Select); 64 bases into the intron before coding-DNA position 1360 through coding-DNA position 1360, 65 bases deleted.
Molecular consequence: splice acceptor variant.
Genome position (GRCh38, 1-based): chr16:89,784,964-89,785,028, 65 bases deleted. GRCh37 (hg19): chr16:89,851,415-89,851,479.
Other names: c.1360-64_1360del (NM_001286167.3).
Identifiers: ClinVar variation 1061968 (VCV001061968.7), dbSNP rs2143477254, ClinGen allele CA2499223877.